The following is an entry in ClinVar:

NM_172107.4(KCNQ2):c.1232C>G (p.Pro411Arg)

Gene: KCNQ2 (potassium voltage-gated channel subfamily Q member 2; minus strand). Cytogenetic location: 20q13.33.
Variant type: single nucleotide variant.
Coding change: c.1232C>G on transcript NM_172107.4 (MANE Select); coding-DNA position 1232, C replaced by G.
Protein change: p.Pro411Arg; replaces proline 411 with arginine.
Molecular consequence: missense variant.
Genome position (GRCh38, 1-based): chr20:63,424,192, G>C on the plus strand (C>G on the coding strand, the complement: KCNQ2 is on the minus strand). VCF-style: chr20-63424192-G-C. GRCh37 (hg19) VCF-style: chr20-62055545-G-C.
Other names: c.1232C>G, p.Pro411Arg (NM_001382235.1, NM_172106.3, NM_172108.5); c.1202C>G, p.Pro401Arg (NM_004518.6); c.1232C>G (NM_172107.2); short protein forms P401R, P411R.
Identifiers: ClinVar variation 1057136 (VCV001057136.11), dbSNP rs754682495, ClinGen allele CA409649204.

ClinVar aggregate classification (germline): Uncertain significance. Review status: criteria provided, multiple submitters, no conflicts (2 of 4 stars). 2 submissions from 2 submitters: Uncertain significance (2). Last evaluated 2024-05-03.

Conditions:
Early-infantile DEE. Also called: Ohtahara syndrome; Early infantile epileptic encephalopathy with suppression bursts; Early infantile epileptic encephalopathy. Identifiers: Orphanet 1934, MedGen C0393706, MONDO:0800491.

gnomAD v4.1: 3 of 1,556,060 alleles (0.00019%); highest among the groups gnomAD compares: Non-Finnish European, 0.00017%; no homozygotes.

Submissions (2):

GeneDx
Classification: Uncertain significance. Last evaluated: 2024-05-03. Review status: criteria provided, single submitter. Criteria: GeneDx Variant Classification Process June 2021. Collection method: clinical testing. Allele origin: germline. Affected: yes.
Comment: Not observed at significant frequency in large population cohorts (gnomAD); In silico analysis supports that this missense variant has a deleterious effect on protein structure/function; Has not been previously published as pathogenic or benign to our knowledge; This substitution is predicted to be within the C-terminal cytoplasmic domain

Labcorp Genetics (formerly Invitae), Labcorp
Classification: Uncertain significance for Early-infantile DEE. Last evaluated: 2023-03-15. Review status: criteria provided, single submitter. Criteria: Invitae Variant Classification Sherloc (09022015). Collection method: clinical testing. Allele origin: germline.
Comment: In summary, the available evidence is currently insufficient to determine the role of this variant in disease. Therefore, it has been classified as a Variant of Uncertain Significance. An algorithm developed to predict the effect of missense changes on protein structure and function (PolyPhen-2) suggests that this variant is likely to be disruptive. ClinVar contains an entry for this variant (Variation ID: 1057136). This variant has not been reported in the literature in individuals affected with KCNQ2-related conditions. This variant is not present in population databases (gnomAD no frequency). This sequence change replaces proline, which is neutral and non-polar, with arginine, which is basic and polar, at codon 411 of the KCNQ2 protein (p.Pro411Arg).